The following is an entry in ClinVar:

NM_000093.5(COL5A1):c.2058G>A (p.Pro686=)

Gene: COL5A1 (collagen type V alpha 1 chain; plus strand). Cytogenetic location: 9q34.3.
Variant type: single nucleotide variant.
Coding change: c.2058G>A on transcript NM_000093.5 (MANE Select); coding-DNA position 2058, G replaced by A.
Protein change: p.Pro686=; no amino-acid change (proline 686 retained).
Molecular consequence: synonymous variant.
Genome position (GRCh38, 1-based): chr9:134,765,704, G>A. VCF-style: chr9-134765704-G-A. GRCh37 (hg19) VCF-style: chr9-137657550-G-A.
Other names: p.P686P:CCG>CCA; p.Pro686=; c.2058G>A, p.Pro686= (NM_001278074.1).
Identifiers: ClinVar variation 212890 (VCV000212890.31), dbSNP rs143443499, ClinGen allele CA323948.
Genomic context (GRCh38, chr9:134,765,704, plus strand): 5'-CCCGAGTTTAAATCCTATTTTCCCTTTCCTCTTACAGGGGCCACGTGGTCTGCTTGGGCC[G>A]AAGGGGCCCCCAGGTCCTCCCGGACCTCCCGTAAGTCCCATTACCGCCCTGCTTGTCTGC-3'
Protein context (NP_000084.3, residues 676-696): GEPGPRGLLG[Pro686=]KGPPGPPGPP

ClinVar aggregate classification (germline): Benign/Likely benign. Review status: criteria provided, multiple submitters, no conflicts (2 of 4 stars). 15 submissions from 14 submitters: Benign (9); Likely benign (3). 3 of the submissions do not count toward it. Last evaluated 2026-07-01.

Conditions:
Ehlers-Danlos syndrome, classic type (cEDS). Identifiers: Orphanet 287, MedGen C4225429, MONDO:0007522.
Fibromuscular dysplasia, multifocal. Identifiers: MedGen C5543412, MONDO:0859151, OMIM 619329.
Ehlers-Danlos syndrome, classic type, 1 (EDSCL1). Also called: Ehlers-Danlos syndrome, type 1; EHLERS-DANLOS SYNDROME, GRAVIS TYPE; EHLERS-DANLOS SYNDROME, SEVERE CLASSIC TYPE; Ehlers-Danlos Syndrome, Classic Type, COL5A1-Related; EDS I. Identifiers: MedGen C0268335, MONDO:0019567, OMIM 130000.
Familial thoracic aortic aneurysm and aortic dissection (TAAD). Also called: Thoracic aortic aneurysms and dissections. Identifiers: Orphanet 91387, MedGen C4707243, MONDO:0019625.

Allele frequency attached by ClinVar (database versions not stated): gnomAD exomes 0.00074; ExAC 0.00091; gnomAD 0.00265 and 0.00283; ESP Exome Variant Server 0.00292; TOPMed 0.00304; 1000 Genomes Project 30x 0.00312; 1000 Genomes Project 0.00319.
gnomAD v4.1: 855 of 1,613,560 alleles (0.053%); highest among the groups gnomAD compares: African/African-American, 0.91%; 9 homozygotes.

Submissions (15):

CeGaT Center for Human Genetics Tuebingen
Classification: Likely benign. Last evaluated: 2026-07-01. Review status: criteria provided, single submitter. Criteria: CeGaT Center For Human Genetics Tuebingen Variant Classification Criteria Version 2. Collection method: clinical testing. Allele origin: germline. Affected: yes. Observed: 1 variant allele.
Comment: COL5A1: BP4, BP7, BS1

Labcorp Genetics (formerly Invitae), Labcorp
Classification: Benign for Ehlers-Danlos syndrome, classic type, 1. Last evaluated: 2026-01-28. Review status: criteria provided, single submitter. Criteria: Invitae Variant Classification Sherloc (09022015). Collection method: clinical testing. Allele origin: germline.

Blueprint Genetics
Classification: Likely benign. Last evaluated: 2024-11-01. Review status: criteria provided, single submitter. Criteria: ACMG Guidelines, 2015. Collection method: clinical testing. Allele origin: germline.

Women's Health and Genetics/Laboratory Corporation of America, LabCorp
Classification: Benign. Last evaluated: 2023-07-21. Review status: criteria provided, single submitter. Criteria: LabCorp Variant Classification Summary - May 2015. Collection method: clinical testing. Allele origin: germline.

Mayo Clinic Laboratories, Mayo Clinic
Classification: Benign. Last evaluated: 2023-06-16. Review status: criteria provided, single submitter. Criteria: ACMG Guidelines, 2015. Collection method: clinical testing. Allele origin: germline. Observed: 7 variant alleles.
Comment: BS1, BS2, BP4, BP7

Genome-Nilou Lab
Classification: Benign for Ehlers-Danlos syndrome, classic type, 1. Last evaluated: 2022-03-15. Review status: criteria provided, single submitter. Criteria: ACMG Guidelines, 2015. Collection method: clinical testing. Allele origin: germline. Affected: no.

Genome-Nilou Lab
Classification: Benign for Fibromuscular dysplasia, multifocal. Last evaluated: 2022-03-15. Review status: criteria provided, single submitter. Criteria: ACMG Guidelines, 2015. Collection method: clinical testing. Allele origin: germline. Affected: no.

Fulgent Genetics
Classification: Likely benign for Ehlers-Danlos syndrome, classic type, 1; Fibromuscular dysplasia, multifocal. Last evaluated: 2022-02-22. Review status: criteria provided, single submitter. Criteria: ACMG Guidelines, 2015. Collection method: clinical testing. Allele origin: unknown.

Illumina Laboratory Services, Illumina
Classification: Benign for Ehlers-Danlos syndrome, classic type, 1. Last evaluated: 2018-01-12. Review status: criteria provided, single submitter. Criteria: ICSL Variant Classification Criteria 13 December 2019. Collection method: clinical testing. Allele origin: germline.
Comment: This variant was observed in the ICSL laboratory as part of a predisposition screen in an ostensibly healthy population. It had not been previously curated by ICSL or reported in the Human Gene Mutation Database (HGMD: prior to June 1st, 2018), and was therefore a candidate for classification through an automated scoring system. Utilizing variant allele frequency, disease prevalence and penetrance estimates, and inheritance mode, an automated score was calculated to assess if this variant is too frequent to cause the disease. Based on the score and internal cut-off values, a variant classified as benign is not then subjected to further curation. The score for this variant resulted in a classification of benign for this disease.

Ambry Genetics
Classification: Benign for Familial thoracic aortic aneurysm and aortic dissection. Last evaluated: 2015-04-02. Review status: criteria provided, single submitter. Criteria: Ambry Variant Classification Scheme 2023. Collection method: clinical testing. Allele origin: germline.

GeneDx
Classification: Benign. Last evaluated: 2014-07-29. Review status: criteria provided, single submitter. Criteria: GeneDx Variant Classification (06012015). Collection method: clinical testing. Allele origin: germline. Affected: yes.
Comment: This variant is considered likely benign or benign based on one or more of the following criteria: it is a conservative change, it occurs at a poorly conserved position in the protein, it is predicted to be benign by multiple in silico algorithms, and/or has population frequency not consistent with disease.

PreventionGenetics, part of Exact Sciences
Classification: Benign. Review status: criteria provided, single submitter. Criteria: ACMG Guidelines, 2015. Collection method: clinical testing. Allele origin: germline.

Clinical Genetics DNA and cytogenetics Diagnostics Lab, Erasmus MC, Erasmus Medical Center
Classification: Benign. Review status: no assertion criteria provided. Collection method: clinical testing. Allele origin: germline. Affected: yes. Study: VKGL Data-share Consensus. Not counted in ClinVar's aggregate classification.

Genome Diagnostics Laboratory, Amsterdam University Medical Center
Classification: Benign. Review status: no assertion criteria provided. Collection method: clinical testing. Allele origin: germline. Affected: yes. Study: VKGL Data-share Consensus. Not counted in ClinVar's aggregate classification.

Genome Diagnostics Laboratory, University Medical Center Utrecht
Classification: Benign. Review status: no assertion criteria provided. Collection method: clinical testing. Allele origin: germline. Affected: yes. Study: VKGL Data-share Consensus. Not counted in ClinVar's aggregate classification.